The following is an entry in ClinVar:

ClinVar aggregate classification (germline): Pathogenic (1 of 4 stars; one submission).

Conditions:
BAP1-related tumor predisposition syndrome (TPDS1). Also called: Tumor susceptibility linked to germline BAP1 mutations; TUMOR PREDISPOSITION SYNDROME 1; COMMON Syndrome; BAP1 tumor predisposition syndrome. Identifiers: Orphanet 289539, MedGen C3280492, MONDO:0013692, OMIM 614327.

Submission:

Myriad Genetics, Inc.
Classification: Pathogenic for BAP1-related tumor predisposition syndrome. Last evaluated: 2025-02-26. Review status: criteria provided, single submitter. Criteria: Myriad Autosomal Dominant, Autosomal Recessive and X-Linked Classification Criteria (2023). Collection method: clinical testing. Allele origin: unknown.
Comment: This variant is considered pathogenic. This variant creates a frameshift predicted to result in premature protein truncation.

NM_004656.4(BAP1):c.610_613del (p.Asp204fs)

Gene: BAP1 (BRCA1 associated deubiquitinase 1; minus strand). Cytogenetic location: 3p21.1.
Variant type: Microsatellite.
Coding change: c.610_613del on transcript NM_004656.4 (MANE Select); coding-DNA positions 610 to 613, 4 bases deleted (GACA; older notation c.610_613delGACA).
Protein change: p.Asp204fs; shifts the reading frame from aspartic acid 204.
Molecular consequence: frameshift variant.
Genome position (GRCh38, 1-based): chr3:52,406,875-52,406,878, TGTC deleted on the plus strand (GACA on the coding strand, the reverse complement: BAP1 is on the minus strand); deleting any 4 consecutive bases within chr3:52,406,875-52,406,882 gives the same sequence; the c. name uses the placement nearest the transcript's 3' end. VCF-style (leftmost placement, unchanged base first): chr3-52406874-TTGTC-T. GRCh37 (hg19) VCF-style: chr3-52440890-TTGTC-T.
Other names: c.610_613del, p.Asp204fs (NM_001410772.1); short protein forms D204fs.
Identifiers: ClinVar variation 3904727 (VCV003904727.1).